The following is an entry in ClinVar:

NM_001042492.3(NF1):c.1260+4_1260+18del

Gene: NF1 (neurofibromin 1; plus strand). Cytogenetic location: 17q11.2.
Variant type: Deletion.
Coding change: c.1260+4_1260+18del on transcript NM_001042492.3 (MANE Select); bases 4 to 18 of the intron after coding-DNA position 1260, 15 bases deleted (AGTCCAAAAGGTATT).
Molecular consequence: intron variant.
Genome position (GRCh38, 1-based): chr17:31,201,489-31,201,503, AGTCCAAAAGGTATT deleted. VCF-style (leftmost placement, unchanged base first): chr17-31201488-AAGTCCAAAAGGTATT-A. GRCh37 (hg19) VCF-style: chr17-29528506-AAGTCCAAAAGGTATT-A.
Other names: c.1260+4_1260+18del (NM_000267.4, NM_001128147.3).
Identifiers: ClinVar variation 3727315 (VCV003727315.2).

ClinVar aggregate classification (germline): Likely pathogenic (1 of 4 stars; one submission).

Conditions:
Neurofibromatosis, type 1 (NF1). Also called: NEUROFIBROMATOSIS, TYPE I, SOMATIC; Peripheral type neurofibromatosis; Neurofibromatosis, type I; VON RECKLINGHAUSEN DISEASE. Identifiers: Orphanet 636, MedGen C0027831, MONDO:0018975, OMIM 162200. Disease mechanism: loss of function.

Submission:

Labcorp Genetics (formerly Invitae), Labcorp
Classification: Likely pathogenic for Neurofibromatosis, type 1. Last evaluated: 2024-12-15. Review status: criteria provided, single submitter. Criteria: Invitae Variant Classification Sherloc (09022015). Collection method: clinical testing. Allele origin: germline.
Comment: This sequence change falls in intron 11 of the NF1 gene. It does not directly change the encoded amino acid sequence of the NF1 protein. It affects a nucleotide within the consensus splice site. This variant is not present in population databases (gnomAD no frequency). This variant has been observed in individual(s) with clinical features of neurofibromatosis type 1 (internal data). Variants that disrupt the consensus splice site are a relatively common cause of aberrant splicing (PMID: 17576681, 9536098). This variant disrupts the c.1260+5G nucleotide in the NF1 gene. Other variant(s) that disrupt this nucleotide have been determined to be pathogenic (PMID: 12807981; internal data). This suggests that this nucleotide is clinically significant, and that variants that disrupt this position are likely to be disease-causing. In summary, the currently available evidence indicates that the variant is pathogenic, but additional data are needed to prove that conclusively. Therefore, this variant has been classified as Likely Pathogenic.

Literature cited by the submitters: PubMed 17576681; PubMed 9536098; PubMed 12807981.